The following is an entry in ClinVar:

ClinVar aggregate classification (germline): Pathogenic (1 of 4 stars; one submission).

Conditions:
Congenital myasthenic syndrome 11. Also called: Myasthenic syndrome, congenital, 11, associated with acetylcholine receptor deficiency; MYASTHENIC SYNDROME, CONGENITAL, Ie. Identifiers: Orphanet 590, MedGen C4225367, MONDO:0014588, OMIM 616326.
Fetal akinesia deformation sequence 1 (FADS1). Also called: Pena-Shokeir syndrome type I; Fetal akinesia sequence. Identifiers: Orphanet 994, MedGen C1276035, MONDO:0100101, OMIM 208150, HP:0001989.

gnomAD v4.1: 8 of 1,614,054 alleles (0.0005%); highest among the groups gnomAD compares: Non-Finnish European, 0.00068%; no homozygotes.

Submission:

Labcorp Genetics (formerly Invitae), Labcorp
Classification: Pathogenic for Congenital myasthenic syndrome 11; Fetal akinesia deformation sequence 1. Last evaluated: 2021-10-09. Review status: criteria provided, single submitter. Criteria: Invitae Variant Classification Sherloc (09022015). Collection method: clinical testing. Allele origin: germline.
Comment: This sequence change creates a premature translational stop signal (p.Cys106*) in the RAPSN gene. It is expected to result in an absent or disrupted protein product. Loss-of-function variants in RAPSN are known to be pathogenic (PMID: 17686188). This variant is not present in population databases (ExAC no frequency). This variant has not been reported in the literature in individuals affected with RAPSN-related conditions. For these reasons, this variant has been classified as Pathogenic.

Literature cited by the submitters: PubMed 17686188.

NM_005055.5(RAPSN):c.318C>A (p.Cys106Ter)

Gene: RAPSN (receptor associated protein of the synapse; minus strand). Cytogenetic location: 11p11.2.
Variant type: single nucleotide variant.
Coding change: c.318C>A on transcript NM_005055.5 (MANE Select); coding-DNA position 318, C replaced by A.
Protein change: p.Cys106Ter; replaces cysteine 106 with a stop codon.
Molecular consequence: nonsense.
Genome position (GRCh38, 1-based): chr11:47,448,025, G>T on the plus strand (C>A on the coding strand, the complement: RAPSN is on the minus strand). VCF-style: chr11-47448025-G-T. GRCh37 (hg19) VCF-style: chr11-47469577-G-T.
Other names: c.318C>A, p.Cys106Ter (NM_032645.5); short protein forms C106*.
Identifiers: ClinVar variation 1426829 (VCV001426829.6), dbSNP rs2076423585, ClinGen allele CA380334470.